The following is an entry in ClinVar:

NM_000017.4(ACADS):c.674G>A (p.Gly225Glu)

Gene: ACADS (acyl-CoA dehydrogenase short chain; plus strand). Cytogenetic location: 12q24.31.
Variant type: single nucleotide variant.
Coding change: c.674G>A on transcript NM_000017.4 (MANE Select); coding-DNA position 674, G replaced by A.
Protein change: p.Gly225Glu; replaces glycine 225 with glutamic acid.
Molecular consequence: missense variant.
Genome position (GRCh38, 1-based): chr12:120,738,329, G>A. VCF-style: chr12-120738329-G-A. GRCh37 (hg19) VCF-style: chr12-121176132-G-A.
Other names: c.662G>A, p.Gly221Glu (NM_001302554.2); short protein forms G221E, G225E.
Identifiers: ClinVar variation 1420852 (VCV001420852.8), dbSNP rs2136949808, ClinGen allele CA386600845.

ClinVar aggregate classification (germline): Uncertain significance (1 of 4 stars; one submission).

Conditions:
Deficiency of butyryl-CoA dehydrogenase (ACADSD). Also called: Short-Chain Acyl-CoA Dehydrogenase Deficiency; SCAD DEFICIENCY, MILD; ACYL-CoA DEHYDROGENASE, SHORT-CHAIN, DEFICIENCY OF; SCADH DEFICIENCY; SCAD Deficiency; ACADS DEFICIENCY. Identifiers: Orphanet 26792, MedGen C0342783, MONDO:0008722, OMIM 201470. Disease mechanism: May be benign.

Allele frequency attached by ClinVar (database versions not stated): gnomAD exomes below 0.00001.
gnomAD v4.1: 5 of 1,614,198 alleles (0.00031%); highest among the groups gnomAD compares: Non-Finnish European, 0.00042%; no homozygotes.

Submission:

Labcorp Genetics (formerly Invitae), Labcorp
Classification: Uncertain significance for Deficiency of butyryl-CoA dehydrogenase. Last evaluated: 2023-12-31. Review status: criteria provided, single submitter. Criteria: Invitae Variant Classification Sherloc (09022015). Collection method: clinical testing. Allele origin: germline.
Comment: This sequence change replaces glycine, which is neutral and non-polar, with glutamic acid, which is acidic and polar, at codon 225 of the ACADS protein (p.Gly225Glu). This variant is not present in population databases (gnomAD no frequency). This variant has not been reported in the literature in individuals affected with ACADS-related conditions. ClinVar contains an entry for this variant (Variation ID: 1420852). Advanced modeling of protein sequence and biophysical properties (such as structural, functional, and spatial information, amino acid conservation, physicochemical variation, residue mobility, and thermodynamic stability) performed at Invitae indicates that this missense variant is expected to disrupt ACADS protein function with a positive predictive value of 80%. In summary, the available evidence is currently insufficient to determine the role of this variant in disease. Therefore, it has been classified as a Variant of Uncertain Significance.